The following is an entry in ClinVar:

ClinVar aggregate classification (germline): Pathogenic/Likely pathogenic. Review status: criteria provided, multiple submitters, no conflicts (2 of 4 stars). 2 submissions from 2 submitters: Pathogenic (1); Likely pathogenic (1). Last evaluated 2026-02-20.

Conditions:
Neurofibromatosis, type 1 (NF1). Also called: VON RECKLINGHAUSEN DISEASE; Neurofibromatosis, type I; Peripheral type neurofibromatosis; NEUROFIBROMATOSIS, TYPE I, SOMATIC. Identifiers: Orphanet 636, MedGen C0027831, MONDO:0018975, OMIM 162200. Disease mechanism: loss of function.

Submissions (2):

GeneDx
Classification: Likely pathogenic. Last evaluated: 2026-02-20. Review status: criteria provided, single submitter. Criteria: GeneDx Variant Classification Process June 2021. Collection method: clinical testing. Allele origin: germline.
Comment: RNA studies demonstrate a damaging effect: a type 1 splice effect due to the creation of a new AG, equivalent to an in-frame loss of exon 3 (PMID: 32126153); Not observed at significant frequency in large population cohorts (gnomAD); In silico analysis supports a deleterious effect on splicing; This variant is associated with the following publications: (PMID: 32126153)

UAB Medical Genomics Laboratory, UAB Medicine
Classification: Pathogenic for Neurofibromatosis, type 1. Last evaluated: 2020-01-20. Review status: criteria provided, single submitter. Criteria: ACMG Guidelines, 2015. Collection method: clinical testing. Allele origin: germline. Affected: yes.

Literature cited by the submitters: PubMed 32126153 (cited by UAB Medical Genomics Laboratory, UAB Medicine).

NM_001042492.3(NF1):c.205-19T>A

Gene: NF1 (neurofibromin 1; plus strand). Cytogenetic location: 17q11.2.
Variant type: single nucleotide variant.
Coding change: c.205-19T>A on transcript NM_001042492.3 (MANE Select); 19 bases into the intron before coding-DNA position 205, T replaced by A.
Molecular consequence: intron variant.
Genome position (GRCh38, 1-based): chr17:31,158,991, T>A. VCF-style: chr17-31158991-T-A. GRCh37 (hg19) VCF-style: chr17-29486009-T-A.
Other names: c.205-19T>A (NM_000267.4, NM_001128147.3).
Identifiers: ClinVar variation 816721 (VCV000816721.3), dbSNP rs1597629649, ClinGen allele CA915949695.